The following is an entry in ClinVar:

ClinVar aggregate classification (germline): Uncertain significance (1 of 4 stars; one submission).

Conditions:
Seizures, benign familial infantile, 3 (BFIS3). Also called: CONVULSIONS, BENIGN FAMILIAL INFANTILE, 3; Familial neonatal seizures. Identifiers: Orphanet 140927, Orphanet 306, MedGen C1843140, MONDO:0011904, OMIM 607745.
Developmental and epileptic encephalopathy, 11 (DEE11). Also called: Early infantile epileptic encephalopathy 11. Identifiers: Orphanet 1934, MedGen C3150987, MONDO:0013388, OMIM 613721.

Allele frequency attached by ClinVar (database versions not stated): TOPMed below 0.00001.

Submission:

Labcorp Genetics (formerly Invitae), Labcorp
Classification: Uncertain significance for Seizures, benign familial infantile, 3; Developmental and epileptic encephalopathy, 11. Last evaluated: 2024-01-21. Review status: criteria provided, single submitter. Criteria: Invitae Variant Classification Sherloc (09022015). Collection method: clinical testing. Allele origin: germline.
Comment: This sequence change replaces aspartic acid, which is acidic and polar, with asparagine, which is neutral and polar, at codon 1113 of the SCN2A protein (p.Asp1113Asn). This variant is not present in population databases (gnomAD no frequency). This variant has not been reported in the literature in individuals affected with SCN2A-related conditions. Advanced modeling of protein sequence and biophysical properties (such as structural, functional, and spatial information, amino acid conservation, physicochemical variation, residue mobility, and thermodynamic stability) performed at Invitae indicates that this missense variant is expected to disrupt SCN2A protein function with a positive predictive value of 95%. In summary, the available evidence is currently insufficient to determine the role of this variant in disease. Therefore, it has been classified as a Variant of Uncertain Significance.

NM_001040142.2(SCN2A):c.3337G>A (p.Asp1113Asn)

Gene: SCN2A (sodium voltage-gated channel alpha subunit 2; plus strand). Cytogenetic location: 2q24.3.
Variant type: single nucleotide variant.
Coding change: c.3337G>A on transcript NM_001040142.2 (MANE Select); coding-DNA position 3337, G replaced by A.
Protein change: p.Asp1113Asn; replaces aspartic acid 1113 with asparagine.
Molecular consequence: missense variant.
Genome position (GRCh38, 1-based): chr2:165,354,609, G>A. VCF-style: chr2-165354609-G-A. GRCh37 (hg19) VCF-style: chr2-166211119-G-A.
Other names: c.3337G>A, p.Asp1113Asn (NM_001040143.2, NM_001371246.1, NM_001371247.1 and 1 more transcripts); short protein forms D1113N.
Identifiers: ClinVar variation 2926105 (VCV002926105.3), dbSNP rs912486411, ClinGen allele CA59725013.
Genomic context (GRCh38, chr2:165,354,609, plus strand): 5'-ATGTCATTTATAAACAACCCTAGCCTCACTGTGACAGTACCAATTGCTGTTGGAGAATCT[G>A]ACTTTGAAAATTTAAATACTGAAGAATTCAGCAGCGAGTCAGATATGGAGGAAAGCAAAG-3'
Protein context (NP_001035232.1, residues 1103-1123): VTVPIAVGES[Asp1113Asn]FENLNTEEFS